The following is an entry in ClinVar:

NM_001367493.1(ARHGEF4):c.1888G>A (p.Ala630Thr)

Gene: ARHGEF4 (Rho guanine nucleotide exchange factor 4; plus strand). Cytogenetic location: 2q21.1.
Variant type: single nucleotide variant.
Coding change: c.1888G>A on transcript NM_001367493.1 (MANE Select); coding-DNA position 1888, G replaced by A.
Protein change: p.Ala630Thr; replaces alanine 630 with threonine.
Molecular consequence: missense variant. On other transcripts: 5 prime UTR variant (1), intron variant (2).
Genome position (GRCh38, 1-based): chr2:130,915,834, G>A. VCF-style: chr2-130915834-G-A. GRCh37 (hg19) VCF-style: chr2-131673407-G-A.
Other names: c.-1336G>A (NM_015320.4); c.-108-1563G>A (NM_001375901.1); c.40-15118G>A (NM_001375900.1); short protein forms A630T.
Identifiers: ClinVar variation 3025452 (VCV003025452.22), dbSNP rs540190082, ClinGen allele CA1874719.

ClinVar aggregate classification (germline): Likely benign (1 of 4 stars; one submission).

Allele frequency attached by ClinVar (database versions not stated): gnomAD exomes 0.00029; TOPMed 0.00035; gnomAD 0.00044; 1000 Genomes Project 30x 0.00047; 1000 Genomes Project 0.00060; ExAC 0.00114.
gnomAD v4.1: 498 of 1,533,660 alleles (0.032%); highest among the groups gnomAD compares: Middle Eastern, 0.73%; 4 homozygotes.

Submission:

CeGaT Center for Human Genetics Tuebingen
Classification: Likely benign. Last evaluated: 2023-12-01. Review status: criteria provided, single submitter. Criteria: CeGaT Center For Human Genetics Tuebingen Variant Classification Criteria Version 2. Collection method: clinical testing. Allele origin: germline. Affected: yes. Observed: 1 variant allele.
Comment: ARHGEF4: BP4